The following is an entry in ClinVar:

NM_012079.6(DGAT1):c.44G>A (p.Arg15Gln)

Genes: DGAT1 (diacylglycerol O-acyltransferase 1; minus strand), LOC130001386 (ATAC-STARR-seq lymphoblastoid silent region 19673; plus strand). Cytogenetic location: 8q24.3.
Variant type: single nucleotide variant.
Coding change: c.44G>A on transcript NM_012079.6 (MANE Select); coding-DNA position 44, G replaced by A.
Protein change: p.Arg15Gln; replaces arginine 15 with glutamine.
Molecular consequence: missense variant.
Genome position (GRCh38, 1-based): chr8:144,326,593, C>T on the plus strand (G>A on the coding strand, the complement: DGAT1 is on the minus strand). VCF-style: chr8-144326593-C-T. GRCh37 (hg19) VCF-style: chr8-145550256-C-T.
Other names: short protein forms R15Q.
Identifiers: ClinVar variation 1406787 (VCV001406787.3), dbSNP rs1440005282, ClinGen allele CA372613511.

ClinVar aggregate classification (germline): Uncertain significance (1 of 4 stars; one submission).

Allele frequency attached by ClinVar (database versions not stated): gnomAD exomes below 0.00001; TOPMed 0.00001.
gnomAD v4.1: 2 of 1,236,086 alleles (0.00016%); highest among the groups gnomAD compares: Non-Finnish European, 0.0001%; no homozygotes.

Submission:

Labcorp Genetics (formerly Invitae), Labcorp
Classification: Uncertain significance. Last evaluated: 2022-10-13. Review status: criteria provided, single submitter. Criteria: Invitae Variant Classification Sherloc (09022015). Collection method: clinical testing. Allele origin: germline.
Comment: This sequence change replaces arginine, which is basic and polar, with glutamine, which is neutral and polar, at codon 15 of the DGAT1 protein (p.Arg15Gln). This variant is not present in population databases (gnomAD no frequency). This variant has not been reported in the literature in individuals affected with DGAT1-related conditions. ClinVar contains an entry for this variant (Variation ID: 1406787). Algorithms developed to predict the effect of missense changes on protein structure and function are either unavailable or do not agree on the potential impact of this missense change (SIFT: "Tolerated"; PolyPhen-2: "Not Available"; Align-GVGD: "Class C0"). In summary, the available evidence is currently insufficient to determine the role of this variant in disease. Therefore, it has been classified as a Variant of Uncertain Significance.